The following is an entry in ClinVar:

NM_000465.4(BARD1):c.446C>T (p.Pro149Leu)

Gene: BARD1 (BRCA1 associated RING domain 1; minus strand). Cytogenetic location: 2q35.
Variant type: single nucleotide variant.
Coding change: c.446C>T on transcript NM_000465.4 (MANE Select); coding-DNA position 446, C replaced by T.
Protein change: p.Pro149Leu; replaces proline 149 with leucine.
Molecular consequence: missense variant. On other transcripts: intron variant (3), non-coding transcript variant (2).
Genome position (GRCh38, 1-based): chr2:214,781,428, G>A on the plus strand (C>T on the coding strand, the complement: BARD1 is on the minus strand). VCF-style: chr2-214781428-G-A. GRCh37 (hg19) VCF-style: chr2-215646152-G-A.
Other names: c.158+27984C>T (NM_001282548.2); c.215+15633C>T (NM_001282545.2); c.364+10869C>T (NM_001282549.2); c.389C>T, p.Pro130Leu (NM_001282543.2); short protein forms P130L, P149L.
Identifiers: ClinVar variation 4867384 (VCV004867384.1).
Genomic context (GRCh38, chr2:214,781,428, plus strand): 5'-ATTGCAGGCTGGGTTTGCACTGAAGCTTTACTCACAACATATCTGACTTTCTTACTTCGA[G>A]GGCTAAACCACATTTTAATTGAATTCTTCTTGTTTCCTGCATCATTAAACAAACTTTTCC-3'
Protein context (NP_000456.2, residues 139-159): KKNSIKMWFS[Pro149Leu]RSKKVRYVVS

ClinVar aggregate classification (germline): Uncertain significance (1 of 4 stars; one submission).

Conditions:
Hereditary cancer-predisposing syndrome. Also called: Neoplastic Syndromes, Hereditary; Tumor predisposition; Hereditary Cancer Syndrome; Hereditary neoplastic syndrome. Identifiers: Orphanet 140162, MedGen C0027672, MeSH D009386, MONDO:0015356.

Submission:

Ambry Genetics
Classification: Uncertain significance for Hereditary cancer-predisposing syndrome. Last evaluated: 2026-03-23. Review status: criteria provided, single submitter. Criteria: Ambry Variant Classification Scheme 2023. Collection method: clinical testing. Allele origin: germline.
Comment: The p.P149L variant (also known as c.446C>T), located in coding exon 4 of the BARD1 gene, results from a C to T substitution at nucleotide position 446. The proline at codon 149 is replaced by leucine, an amino acid with similar properties. This amino acid position is conserved. In addition, this alteration is predicted to be deleterious by in silico analysis. Based on the available evidence, the clinical significance of this variant remains unclear.